The following is an entry in ClinVar:

NM_033026.6(PCLO):c.10672_10673del (p.Lys3558fs)

Gene: PCLO (piccolo presynaptic cytomatrix protein; minus strand). Cytogenetic location: 7q21.11.
Variant type: Deletion.
Coding change: c.10672_10673del on transcript NM_033026.6 (MANE Select); coding-DNA positions 10672 to 10673, 2 bases deleted (AA; older notation c.10672_10673delAA).
Protein change: p.Lys3558fs; shifts the reading frame from lysine 3558.
Molecular consequence: frameshift variant.
Genome position (GRCh38, 1-based): chr7:82,949,915-82,949,916, TT deleted on the plus strand (AA on the coding strand, the reverse complement: PCLO is on the minus strand); deleting any 2 consecutive bases within chr7:82,949,915-82,949,918 gives the same sequence; the c. name uses the placement nearest the transcript's 3' end. VCF-style (leftmost placement, unchanged base first): chr7-82949914-CTT-C. GRCh37 (hg19) VCF-style: chr7-82579230-CTT-C.
Other names: c.10672_10673del, p.Lys3558fs (NM_014510.3); short protein forms K3558fs.
Identifiers: ClinVar variation 3903262 (VCV003903262.1).

ClinVar aggregate classification (germline): Uncertain significance (1 of 4 stars; one submission).

Submission:

GeneDx
Classification: Uncertain significance. Last evaluated: 2023-12-19. Review status: criteria provided, single submitter. Criteria: GeneDx Variant Classification Process June 2021. Collection method: clinical testing. Allele origin: germline. Affected: yes.
Comment: Not observed at significant frequency in large population cohorts (gnomAD); Frameshift variant predicted to result in protein truncation or nonsense mediated decay in a gene or region of a gene for which loss of function is not a well-established mechanism of disease; Has not been previously published as pathogenic or benign to our knowledge; Variants in candidate genes are classified as variants of uncertain significance in accordance with ACMG guidelines (PMID: 25741868)